The following is an entry in ClinVar:

ClinVar aggregate classification (germline): Uncertain significance (1 of 4 stars; one submission).

Submission:

Labcorp Genetics (formerly Invitae), Labcorp
Classification: Uncertain significance. Last evaluated: 2022-05-12. Review status: criteria provided, single submitter. Criteria: Invitae Variant Classification Sherloc (09022015). Collection method: clinical testing. Allele origin: germline.
Comment: This variant has not been reported in the literature in individuals affected with SNAI2-related conditions. Variants that disrupt the consensus splice site are a relatively common cause of aberrant splicing (PMID: 17576681, 9536098). Algorithms developed to predict the effect of sequence changes on RNA splicing suggest that this variant may disrupt the consensus splice site. In summary, the available evidence is currently insufficient to determine the role of this variant in disease. Therefore, it has been classified as a Variant of Uncertain Significance. This variant is not present in population databases (gnomAD no frequency). This sequence change falls in intron 2 of the SNAI2 gene. It does not directly change the encoded amino acid sequence of the SNAI2 protein. It affects a nucleotide within the consensus splice site.

Literature cited by the submitters: PubMed 17576681; PubMed 9536098.

NM_003068.5(SNAI2):c.626-3C>G

Gene: SNAI2 (snail family transcriptional repressor 2; minus strand). Cytogenetic location: 8q11.21.
Variant type: single nucleotide variant.
Coding change: c.626-3C>G on transcript NM_003068.5 (MANE Select); 3 bases into the intron before coding-DNA position 626, C replaced by G.
Molecular consequence: intron variant.
Genome position (GRCh38, 1-based): chr8:48,918,991, G>C on the plus strand (C>G on the coding strand, the complement: SNAI2 is on the minus strand). VCF-style: chr8-48918991-G-C. GRCh37 (hg19) VCF-style: chr8-49831550-G-C.
Identifiers: ClinVar variation 1993285 (VCV001993285.4), dbSNP rs2536069603, ClinGen allele CA2580078410.